The following is an entry in ClinVar:

ClinVar aggregate classification (germline): Uncertain significance (1 of 4 stars; one submission).

Submission:

Labcorp Genetics (formerly Invitae), Labcorp
Classification: Uncertain significance. Last evaluated: 2022-08-09. Review status: criteria provided, single submitter. Criteria: Invitae Variant Classification Sherloc (09022015). Collection method: clinical testing. Allele origin: germline.
Comment: In summary, the available evidence is currently insufficient to determine the role of this variant in disease. Therefore, it has been classified as a Variant of Uncertain Significance. Algorithms developed to predict the effect of missense changes on protein structure and function are either unavailable or do not agree on the potential impact of this missense change (SIFT: "Not Available"; PolyPhen-2: "Benign"; Align-GVGD: "Not Available"). This variant has not been reported in the literature in individuals affected with IFT88-related conditions. This variant is not present in population databases (gnomAD no frequency). This sequence change replaces tyrosine, which is neutral and polar, with phenylalanine, which is neutral and non-polar, at codon 258 of the IFT88 protein (p.Tyr258Phe).

NM_006531.5(IFT88):c.746A>T (p.Tyr249Phe)

Gene: IFT88 (intraflagellar transport 88; plus strand). Cytogenetic location: 13q12.11.
Variant type: single nucleotide variant.
Coding change: c.746A>T on transcript NM_006531.5 (MANE Select); coding-DNA position 746, A replaced by T.
Protein change: p.Tyr249Phe; replaces tyrosine 249 with phenylalanine.
Molecular consequence: missense variant. On other transcripts: non-coding transcript variant (5).
Genome position (GRCh38, 1-based): chr13:20,599,499, A>T. VCF-style: chr13-20599499-A-T. GRCh37 (hg19) VCF-style: chr13-21173638-A-T.
Other names: c.689A>T, p.Tyr230Phe (NM_001318491.2, NM_001353573.2, NM_001353574.2 and 1 more transcripts); c.773A>T, p.Tyr258Phe (NM_001318493.2, NM_001353565.2, NM_001353566.2 and 6 more transcripts); c.746A>T, p.Tyr249Phe (NM_001353568.2, NM_001353571.2, NM_001353572.2 and 1 more transcripts); c.113A>T, p.Tyr38Phe (NM_001353579.2); short protein forms Y258F, Y230F, Y249F, Y38F.
Identifiers: ClinVar variation 1976084 (VCV001976084.5), dbSNP rs2548141552, ClinGen allele CA387473713.